The following is an entry in ClinVar:

NM_004727.3(SLC24A1):c.222G>C (p.Met74Ile)

Gene: SLC24A1 (solute carrier family 24 member 1; plus strand). Cytogenetic location: 15q22.31.
Variant type: single nucleotide variant.
Coding change: c.222G>C on transcript NM_004727.3 (MANE Select); coding-DNA position 222, G replaced by C.
Protein change: p.Met74Ile; replaces methionine 74 with isoleucine.
Molecular consequence: missense variant.
Genome position (GRCh38, 1-based): chr15:65,624,302, G>C. VCF-style: chr15-65624302-G-C. GRCh37 (hg19) VCF-style: chr15-65916640-G-C.
Other names: c.222G>C, p.Met74Ile (NM_001301031.1, NM_001301032.1, NM_001301033.2); c.222G>C (NM_004727.2); short protein forms M74I.
Identifiers: ClinVar variation 1471567 (VCV001471567.7), dbSNP rs370527618, ClinGen allele CA7619715.
Genomic context (GRCh38, chr15:65,624,302, plus strand): 5'-CTCTTCTCATCAGCCTATAAAACTGGCCAGTCGGGACCTCTCCAGTGAAGAGATGATGAT[G>C]ATGAGCAGCAGCCCTTCAAAACCTAGCTCCGAAATGGGGGGTAAGATGCTGGTACCCCAA-3'
Protein context (NP_004718.1, residues 64-84): SRDLSSEEMM[Met74Ile]MSSSPSKPSS

ClinVar aggregate classification (germline): Uncertain significance. Review status: criteria provided, multiple submitters, no conflicts (2 of 4 stars). 2 submissions from 2 submitters: Uncertain significance (2). Last evaluated 2025-02-19.

Conditions:
Inborn genetic diseases. Identifiers: MedGen C0950123, MeSH D030342.

Allele frequency attached by ClinVar (database versions not stated): ExAC 0.00005; ESP Exome Variant Server 0.00016; 1000 Genomes Project 0.00020; 1000 Genomes Project 30x 0.00031.
gnomAD v4.1: 29 of 1,613,792 alleles (0.0018%); highest among the groups gnomAD compares: East Asian, 0.016%; no homozygotes.

Submissions (2):

Ambry Genetics
Classification: Uncertain significance for Inborn genetic diseases. Last evaluated: 2025-02-19. Review status: criteria provided, single submitter. Criteria: Ambry Variant Classification Scheme 2023. Collection method: clinical testing. Allele origin: germline.

Labcorp Genetics (formerly Invitae), Labcorp
Classification: Uncertain significance. Last evaluated: 2022-06-13. Review status: criteria provided, single submitter. Criteria: Invitae Variant Classification Sherloc (09022015). Collection method: clinical testing. Allele origin: germline.
Comment: In summary, the available evidence is currently insufficient to determine the role of this variant in disease. Therefore, it has been classified as a Variant of Uncertain Significance. Algorithms developed to predict the effect of missense changes on protein structure and function output the following: SIFT: "Tolerated"; PolyPhen-2: "Benign"; Align-GVGD: "Class C0". The isoleucine amino acid residue is found in multiple mammalian species, which suggests that this missense change does not adversely affect protein function. This variant has not been reported in the literature in individuals affected with SLC24A1-related conditions. This variant is present in population databases (rs370527618, gnomAD 0.02%). This sequence change replaces methionine, which is neutral and non-polar, with isoleucine, which is neutral and non-polar, at codon 74 of the SLC24A1 protein (p.Met74Ile).